The following is an entry in ClinVar:

ClinVar aggregate classification (germline): Uncertain significance (1 of 4 stars; one submission).

Submission:

Dasa
Classification: Uncertain significance. Last evaluated: 2026-04-29. Review status: criteria provided, single submitter. Criteria: DASA Assertion Criteria. Collection method: clinical testing. Allele origin: germline.
Comment: NM_003482.4(KMT2D):c.14567G>T (p.Trp4856Leu) is a missense variant that results in the substitution of tryptophan with leucine. This variant is rare in population databases. Computational prediction algorithms are consistent with a deleterious effect. The currently available literature and clinical evidence are not sufficient to establish a definitive association between this variant and the reported condition. Therefore, this variant is classified as a variant of uncertain significance.

NM_003482.4(KMT2D):c.14567G>T (p.Trp4856Leu)

Gene: KMT2D (lysine methyltransferase 2D; minus strand). Cytogenetic location: 12q13.12.
Variant type: single nucleotide variant.
Coding change: c.14567G>T on transcript NM_003482.4 (MANE Select); coding-DNA position 14567, G replaced by T.
Protein change: p.Trp4856Leu; replaces tryptophan 4856 with leucine.
Molecular consequence: missense variant.
Genome position (GRCh38, 1-based): chr12:49,027,879, C>A on the plus strand (G>T on the coding strand, the complement: KMT2D is on the minus strand). VCF-style: chr12-49027879-C-A. GRCh37 (hg19) VCF-style: chr12-49421662-C-A.
Other names: short protein forms W4856L.
Identifiers: ClinVar variation 5020660 (VCV005020660.1).